The following is an entry in ClinVar:

ClinVar aggregate classification (germline): Uncertain significance (1 of 4 stars; one submission).

gnomAD v4.1: 1 of 1,612,958 alleles (0.000062%); no homozygotes.

Submission:

GeneDx
Classification: Uncertain significance. Last evaluated: 2023-02-15. Review status: criteria provided, single submitter. Criteria: GeneDx Variant Classification Process June 2021. Collection method: clinical testing. Allele origin: germline. Affected: yes.
Comment: Not observed at significant frequency in large population cohorts (gnomAD); In silico analysis supports that this missense variant has a deleterious effect on protein structure/function; In silico analysis suggests this variant may impact gene splicing. In the absence of RNA/functional studies, the actual effect of this sequence change is unknown.; Has not been previously published as pathogenic or benign to our knowledge

NM_002397.5(MEF2C):c.964G>A (p.Glu322Lys)

Gene: MEF2C (myocyte enhancer factor 2C; minus strand). Cytogenetic location: 5q14.3.
Variant type: single nucleotide variant.
Coding change: c.964G>A on transcript NM_002397.5 (MANE Select); coding-DNA position 964, G replaced by A.
Protein change: p.Glu322Lys; replaces glutamic acid 322 with lysine.
Molecular consequence: missense variant.
Genome position (GRCh38, 1-based): chr5:88,729,218, C>T on the plus strand (G>A on the coding strand, the complement: MEF2C is on the minus strand). VCF-style: chr5-88729218-C-T. GRCh37 (hg19) VCF-style: chr5-88025035-C-T.
Other names: c.934G>A, p.Glu312Lys (NM_001131005.2, NM_001364343.2, NM_001364352.2); c.994G>A, p.Glu332Lys (NM_001193347.1, NM_001364338.2); c.796G>A, p.Glu266Lys (NM_001193348.1); c.820G>A, p.Glu274Lys (NM_001193349.3, NM_001364332.2, NM_001364344.2 and 2 more transcripts); c.964G>A, p.Glu322Lys (NM_001193350.2, NM_001363581.2, NM_001364329.2 and 9 more transcripts); c.940G>A, p.Glu314Lys (NM_001308002.3, NM_001364333.2, NM_001364339.2 and 6 more transcripts); c.586G>A, p.Glu196Lys (NM_001364353.2, NM_001364356.2); c.514G>A, p.Glu172Lys (NM_001364357.2); short protein forms E172K, E196K, E266K, E274K, E312K, E314K, E322K, E332K.
Identifiers: ClinVar variation 1700535 (VCV001700535.2), dbSNP rs2152223232, ClinGen allele CA360422794.